The following is an entry in ClinVar:

NM_001143981.2(CHRDL1):c.19A>G (p.Met7Val)

Gene: CHRDL1 (chordin like 1; minus strand). Cytogenetic location: Xq23.
Variant type: single nucleotide variant.
Coding change: c.19A>G on transcript NM_001143981.2 (MANE Select); coding-DNA position 19, A replaced by G.
Protein change: p.Met7Val; replaces methionine 7 with valine.
Molecular consequence: missense variant. On other transcripts: non-coding transcript variant (1).
Genome position (GRCh38, 1-based): chrX:110,792,163, T>C on the plus strand (A>G on the coding strand, the complement: CHRDL1 is on the minus strand). VCF-style: chrX-110792163-T-C. GRCh37 (hg19) VCF-style: chrX-110035391-T-C.
Other names: c.19A>G, p.Met7Val (NM_001143982.2, NM_001143983.3, NM_001367204.1 and 6 more transcripts); short protein forms M7V.
Identifiers: ClinVar variation 762631 (VCV000762631.6), dbSNP rs147128392, ClinGen allele CA10492552.

ClinVar aggregate classification (germline): Benign. Review status: criteria provided, multiple submitters, no conflicts (2 of 4 stars). 3 submissions from 3 submitters: Benign (2). 1 of the submissions does not count toward it. Last evaluated 2018-07-26.

Conditions:
CHRDL1-related disorder. Also called: CHRDL1-related condition.

Allele frequency attached by ClinVar (database versions not stated): gnomAD 0.00011 and 0.00014; TOPMed 0.00013; gnomAD exomes 0.00020 and 0.00036; 1000 Genomes Project 30x 0.00021; 1000 Genomes Project 0.00026; ESP Exome Variant Server 0.00028; ExAC 0.00043.
gnomAD v4.1: 237 of 1,176,809 alleles (0.02%); highest among the groups gnomAD compares: South Asian, 0.22%; 1 homozygote.

Submissions (3):

Labcorp Genetics (formerly Invitae), Labcorp
Classification: Benign. Last evaluated: 2018-07-26. Review status: criteria provided, single submitter. Criteria: Invitae Variant Classification Sherloc (09022015). Collection method: clinical testing. Allele origin: germline.

Breakthrough Genomics
Classification: Benign. Review status: criteria provided, single submitter. Criteria: ACMG Guidelines, 2015. Collection method: not provided. Allele origin: germline. Inheritance: X-linked inheritance. Affected: yes.

PreventionGenetics, part of Exact Sciences
Classification: Likely benign for CHRDL1-related condition. Last evaluated: 2019-10-22. Review status: no assertion criteria provided. Collection method: clinical testing. Allele origin: germline. Not counted in ClinVar's aggregate classification.
Comment: This variant is classified as likely benign based on ACMG/AMP sequence variant interpretation guidelines (Richards et al. 2015 PMID: 25741868, with internal and published modifications).